The following is an entry in ClinVar:

NM_030777.4(SLC2A10):c.946C>G (p.Leu316Val)

Gene: SLC2A10 (solute carrier family 2 member 10; plus strand). Cytogenetic location: 20q13.12.
Variant type: single nucleotide variant.
Coding change: c.946C>G on transcript NM_030777.4 (MANE Select); coding-DNA position 946, C replaced by G.
Protein change: p.Leu316Val; replaces leucine 316 with valine.
Molecular consequence: missense variant.
Genome position (GRCh38, 1-based): chr20:46,725,982, C>G. VCF-style: chr20-46725982-C-G. GRCh37 (hg19) VCF-style: chr20-45354621-C-G.
Other names: short protein forms L316V.
Identifiers: ClinVar variation 3228074 (VCV003228074.1), dbSNP rs2515591225, ClinGen allele CA409268728.

ClinVar aggregate classification (germline): Uncertain significance (1 of 4 stars; one submission).

Conditions:
Familial thoracic aortic aneurysm and aortic dissection (TAAD). Also called: Thoracic aortic aneurysms and dissections. Identifiers: Orphanet 91387, MedGen C4707243, MONDO:0019625.

gnomAD v4.1: 2 of 1,613,942 alleles (0.00012%); highest among the groups gnomAD compares: Non-Finnish European, 0.00017%; no homozygotes.

Submission:

Ambry Genetics
Classification: Uncertain significance for Familial thoracic aortic aneurysm and aortic dissection. Last evaluated: 2023-11-14. Review status: criteria provided, single submitter. Criteria: Ambry Variant Classification Scheme 2023. Collection method: clinical testing. Allele origin: germline.
Comment: The p.L316V variant (also known as c.946C>G), located in coding exon 2 of the SLC2A10 gene, results from a C to G substitution at nucleotide position 946. The leucine at codon 316 is replaced by valine, an amino acid with highly similar properties. This amino acid position is conserved. In addition, this alteration is predicted to be tolerated by in silico analysis. Since supporting evidence is limited at this time, the clinical significance of this alteration remains unclear.